The following is an entry in ClinVar:

NM_138615.3(DHX30):c.64C>A (p.Pro22Thr)

Gene: DHX30 (DExH-box helicase 30; plus strand). Cytogenetic location: 3p21.31.
Variant type: single nucleotide variant.
Coding change: c.64C>A on transcript NM_138615.3 (MANE Select); coding-DNA position 64, C replaced by A.
Protein change: p.Pro22Thr; replaces proline 22 with threonine.
Molecular consequence: missense variant. On other transcripts: 5 prime UTR variant (2).
Genome position (GRCh38, 1-based): chr3:47,818,057, C>A. VCF-style: chr3-47818057-C-A. GRCh37 (hg19) VCF-style: chr3-47859547-C-A.
Other names: c.-21C>A (NM_001330990.2); c.-83C>A (NM_014966.4); short protein forms P22T.
Identifiers: ClinVar variation 5039519 (VCV005039519.1).

ClinVar aggregate classification (germline): Uncertain significance (1 of 4 stars; one submission).

gnomAD v4.1: 1 of 781,062 alleles (0.00013%); highest among the groups gnomAD compares: Admixed American, 0.0017%; no homozygotes.

Submission:

CeGaT Center for Human Genetics Tuebingen
Classification: Uncertain significance. Last evaluated: 2026-08-01. Review status: criteria provided, single submitter. Criteria: CeGaT Center For Human Genetics Tuebingen Variant Classification Criteria Version 2. Collection method: clinical testing. Allele origin: germline. Affected: yes. Observed: 1 variant allele.
Comment: DHX30: PM2